The following is an entry in ClinVar:

NM_000454.5(SOD1):c.72+2C>T

Genes: SOD1 (superoxide dismutase 1; plus strand), SOD1-DT (SOD1 divergent transcript; minus strand). Cytogenetic location: 21q22.11.
Variant type: single nucleotide variant.
Coding change: c.72+2C>T on transcript NM_000454.5 (MANE Select); the canonical splice donor site of the intron after coding-DNA position 72, C replaced by T.
Molecular consequence: splice donor variant. On other transcripts: non-coding transcript variant (1).
Genome position (GRCh38, 1-based): chr21:31,659,843, C>T. VCF-style: chr21-31659843-C-T. GRCh37 (hg19) VCF-style: chr21-33032156-C-T.
Identifiers: ClinVar variation 4884493 (VCV004884493.1).

ClinVar aggregate classification (germline): Likely pathogenic (1 of 4 stars; one submission).

Conditions:
Amyotrophic lateral sclerosis type 1 (ALS1). Also called: AMYOTROPHIC LATERAL SCLEROSIS 1, FAMILIAL. Identifiers: Orphanet 803, MedGen C1862939, MONDO:0007103, OMIM 105400.
Spastic tetraplegia and axial hypotonia, progressive. Also called: SOD1 DEFICIENCY, AUTOSOMAL RECESSIVE. Identifiers: MedGen C5231422, MONDO:0032828, OMIM 618598.

gnomAD v4.1: 1 of 1,613,076 alleles (0.000062%); highest among the groups gnomAD compares: Non-Finnish European, 0.000085%; no homozygotes.

Submission:

Diagnostics Services (NGS), CSIR - Centre For Cellular And Molecular Biology
Classification: Likely pathogenic for Amyotrophic lateral sclerosis type 1; Spastic tetraplegia and axial hypotonia, progressive. Last evaluated: 2026-06-11. Review status: criteria provided, single submitter. Criteria: ACMG Guidelines, 2015. Collection method: clinical testing. Allele origin: germline. Affected: no. Observed: 1 variant allele, 1 heterozygote.